The following is an entry in ClinVar:

ClinVar aggregate classification (germline): Uncertain significance (1 of 4 stars; one submission).

Conditions:
Familial sleep-related hypermotor epilepsy. Also called: Autosomal Dominant Sleep-Related Hypermotor (Hyperkinetic) Epilepsy. Identifiers: Orphanet 98784, MedGen C3696898, MONDO:0000030.

Submission:

Labcorp Genetics (formerly Invitae), Labcorp
Classification: Uncertain significance for Familial sleep-related hypermotor epilepsy. Last evaluated: 2019-10-12. Review status: criteria provided, single submitter. Criteria: Invitae Variant Classification Sherloc (09022015). Collection method: clinical testing. Allele origin: germline.
Comment: Algorithms developed to predict the effect of missense changes on protein structure and function (SIFT, PolyPhen-2, Align-GVGD) all suggest that this variant is likely to be tolerated, but these predictions have not been confirmed by published functional studies and their clinical significance is uncertain. This variant has not been reported in the literature in individuals with PRIMA1-related conditions. The frequency data for this variant in the population databases is considered unreliable, as metrics indicate insufficient coverage at this position in the ExAC database. This sequence change replaces arginine with leucine at codon 10 of the PRIMA1 protein (p.Arg10Leu). The arginine residue is moderately conserved and there is a moderate physicochemical difference between arginine and leucine. In summary, the available evidence is currently insufficient to determine the role of this variant in disease. Therefore, it has been classified as a Variant of Uncertain Significance.

NM_178013.4(PRIMA1):c.29G>T (p.Arg10Leu)

Gene: PRIMA1 (proline rich membrane anchor 1; minus strand). Cytogenetic location: 14q32.12.
Variant type: single nucleotide variant.
Coding change: c.29G>T on transcript NM_178013.4 (MANE Select); coding-DNA position 29, G replaced by T.
Protein change: p.Arg10Leu; replaces arginine 10 with leucine.
Molecular consequence: missense variant.
Genome position (GRCh38, 1-based): chr14:93,787,690, C>A on the plus strand (G>T on the coding strand, the complement: PRIMA1 is on the minus strand). VCF-style: chr14-93787690-C-A. GRCh37 (hg19) VCF-style: chr14-94254036-C-A.
Other names: short protein forms R10L.
Identifiers: ClinVar variation 970897 (VCV000970897.10), dbSNP rs971650267, ClinGen allele CA391147031.